The following is an entry in ClinVar:

NM_001159699.2(FHL1):c.767A>C (p.Tyr256Ser)

Gene: FHL1 (four and a half LIM domains 1; plus strand). Cytogenetic location: Xq26.3.
Variant type: single nucleotide variant.
Coding change: c.767A>C on transcript NM_001159699.2 (MANE Select); coding-DNA position 767, A replaced by C.
Protein change: p.Tyr256Ser; replaces tyrosine 256 with serine.
Molecular consequence: missense variant. On other transcripts: non-coding transcript variant (1).
Genome position (GRCh38, 1-based): chrX:136,209,901, A>C. VCF-style: chrX-136209901-A-C. GRCh37 (hg19) VCF-style: chrX-135292060-A-C.
Other names: c.919A>C, p.Met307Leu (NM_001159702.3, NM_001369326.1, NM_001369327.2 and 1 more transcripts); c.532A>C, p.Met178Leu (NM_001159703.2); c.719A>C, p.Tyr240Ser (NM_001159704.1, NM_001167819.1, NM_001369329.1 and 4 more transcripts); c.580A>C, p.Met194Leu (NM_001330659.2); c.806A>C, p.Tyr269Ser (NM_001159701.2); c.719A>C (NM_001449.4); short protein forms Y240S, Y256S, Y269S, M307L, M178L, M194L.
Identifiers: ClinVar variation 1401197 (VCV001401197.5), dbSNP rs1161827184, ClinGen allele CA414609660.

ClinVar aggregate classification (germline): Uncertain significance (1 of 4 stars; one submission).

Conditions:
Myopathy, reducing body, X-linked, early-onset, severe (RBMX1A). Also called: REDUCING BODY MYOPATHY, X-LINKED 1, SEVERE, WITH INFANTILE OR EARLY CHILDHOOD ONSET. Identifiers: Orphanet 97239, MedGen C4225423, MONDO:0010414, OMIM 300717.
Myopathy, reducing body, X-linked, childhood-onset (RBMX1B). Also called: REDUCING BODY MYOPATHY, X-LINKED 1B, WITH LATE CHILDHOOD OR ADULT ONSET. Identifiers: Orphanet 97239, MedGen C4225159, MONDO:0010415, OMIM 300718.
X-linked myopathy with postural muscle atrophy. Also called: FHL1-Related Emery-Dreifuss Muscular Dystrophy, X-Linked. Identifiers: Orphanet 178461, MedGen C2678055, MONDO:0010401, OMIM 300696.
X-linked scapuloperoneal muscular dystrophy. Also called: SCAPULOPERONEAL MYOPATHY, FHL1-RELATED. Identifiers: Orphanet 431272, MedGen C2678061, MONDO:0010400, OMIM 300695.

Allele frequency attached by ClinVar (database versions not stated): gnomAD exomes 0.00001; gnomAD 0.00001.
gnomAD v4.1: 8 of 1,207,399 alleles (0.00066%); highest among the groups gnomAD compares: Non-Finnish European, 0.00078%; no homozygotes.

Submission:

Labcorp Genetics (formerly Invitae), Labcorp
Classification: Uncertain significance for X-linked myopathy with postural muscle atrophy. Last evaluated: 2025-06-12. Review status: criteria provided, single submitter. Criteria: Invitae Variant Classification Sherloc (09022015). Collection method: clinical testing. Allele origin: germline.
Comment: This sequence change replaces tyrosine, which is neutral and polar, with serine, which is neutral and polar, at codon 240 of the FHL1 protein (p.Tyr240Ser). This variant is present in population databases (no rsID available, gnomAD 0.01%). This variant has not been reported in the literature in individuals affected with FHL1-related conditions. ClinVar contains an entry for this variant (Variation ID: 1401197). An algorithm developed to predict the effect of missense changes on protein structure and function (PolyPhen-2) suggests that this variant is likely to be disruptive. In summary, the available evidence is currently insufficient to determine the role of this variant in disease. Therefore, it has been classified as a Variant of Uncertain Significance.